The following is an entry in ClinVar:

ClinVar aggregate classification (germline): Likely benign (1 of 4 stars; one submission).

Conditions:
Juvenile polyposis/hereditary hemorrhagic telangiectasia syndrome (JPHT). Also called: JP/HHT SYNDROME; JUVENILE POLYPOSIS WITH HEREDITARY HEMORRHAGIC TELANGIECTASIA; POLYPOSIS, GENERALIZED JUVENILE, WITH PULMONARY ARTERIOVENOUS MALFORMATION; TELANGIECTASIA, HEREDITARY HEMORRHAGIC, WITH JUVENILE POLYPOSIS COLI; Juvenile Polyposis Syndrome / Hereditary Hemorrhagic Telangiectasia (JPS/HHT). Identifiers: Orphanet 2929, MedGen C1832942, MONDO:0008278, OMIM 175050.

Submission:

Myriad Genetics, Inc.
Classification: Likely benign for Juvenile polyposis/hereditary hemorrhagic telangiectasia syndrome. Last evaluated: 2025-03-20. Review status: criteria provided, single submitter. Criteria: Myriad Autosomal Dominant, Autosomal Recessive and X-Linked Classification Criteria (2023). Collection method: clinical testing. Allele origin: unknown.
Comment: This variant is considered likely benign. This variant is intronic and is not expected to impact mRNA splicing.

NM_005359.6(SMAD4):c.905-12T>C

Gene: SMAD4 (SMAD family member 4; plus strand). Cytogenetic location: 18q21.2.
Variant type: single nucleotide variant.
Coding change: c.905-12T>C on transcript NM_005359.6 (MANE Select); 12 bases into the intron before coding-DNA position 905, T replaced by C.
Molecular consequence: intron variant.
Genome position (GRCh38, 1-based): chr18:51,059,854, T>C. VCF-style: chr18-51059854-T-C. GRCh37 (hg19) VCF-style: chr18-48586224-T-C.
Other names: c.905-12T>C (NM_001407042.1, NM_001407041.1, NM_001407043.1).
Identifiers: ClinVar variation 3903966 (VCV003903966.1).
Genomic context (GRCh38, chr18:51,059,854, plus strand): 5'-GATTTACTGAAAGTTTTAGCATTAGACAACTTTTAGTAAATAAAAATGGAATTTTTGTTG[T>C]CTTTTCTTTAGGGCCTGTTCACAATGAGCTTGCATTCCAGCCTCCCATTTCCAATCATCC-3'